The following is an entry in ClinVar:

NM_000702.4(ATP1A2):c.1570G>T (p.Glu524Ter)

Gene: ATP1A2 (ATPase Na+/K+ transporting subunit alpha 2; plus strand). Cytogenetic location: 1q23.2.
Variant type: single nucleotide variant.
Coding change: c.1570G>T on transcript NM_000702.4 (MANE Select); coding-DNA position 1570, G replaced by T.
Protein change: p.Glu524Ter; replaces glutamic acid 524 with a stop codon.
Molecular consequence: nonsense.
Genome position (GRCh38, 1-based): chr1:160,130,210, G>T. VCF-style: chr1-160130210-G-T. GRCh37 (hg19) VCF-style: chr1-160100000-G-T.
Other names: short protein forms E524*.
Identifiers: ClinVar variation 2814730 (VCV002814730.3), dbSNP rs1651727299, ClinGen allele CA343243327.

ClinVar aggregate classification (germline): Pathogenic (1 of 4 stars; one submission).

Conditions:
Familial hemiplegic migraine. Identifiers: MedGen C0338484, MONDO:0000700.

Submission:

Labcorp Genetics (formerly Invitae), Labcorp
Classification: Pathogenic for Familial hemiplegic migraine. Last evaluated: 2023-01-26. Review status: criteria provided, single submitter. Criteria: Invitae Variant Classification Sherloc (09022015). Collection method: clinical testing. Allele origin: germline.
Comment: For these reasons, this variant has been classified as Pathogenic. Algorithms developed to predict the effect of sequence changes on RNA splicing suggest that this variant may disrupt the consensus splice site. This variant has not been reported in the literature in individuals affected with ATP1A2-related conditions. This variant is not present in population databases (gnomAD no frequency). This sequence change creates a premature translational stop signal (p.Glu524*) in the ATP1A2 gene. It is expected to result in an absent or disrupted protein product. Loss-of-function variants in ATP1A2 are known to be pathogenic (PMID: 30690204).

Literature cited by the submitters: PubMed 30690204.